The following is an entry in ClinVar:

ClinVar aggregate classification (germline): Uncertain significance. Review status: criteria provided, multiple submitters, no conflicts (2 of 4 stars). 4 submissions from 4 submitters: Uncertain significance (4). Last evaluated 2026-02-02.

Conditions:
Hereditary cancer-predisposing syndrome. Also called: Neoplastic Syndromes, Hereditary; Hereditary Cancer Syndrome; Tumor predisposition; Hereditary neoplastic syndrome. Identifiers: Orphanet 140162, MedGen C0027672, MeSH D009386, MONDO:0015356.
Ataxia-telangiectasia syndrome (AT). Also called: LOUIS-BAR SYNDROME; Cerebello-oculocutaneous telangiectasia; Immunodeficiency with ataxia telangiectasia; Ataxia-telangiectasia, complementation group D; AT, COMPLEMENTATION GROUP C; Ataxia-telangiectasia, complementation group E. Identifiers: Orphanet 100, MedGen C0004135, MONDO:0008840, OMIM 208900.

Allele frequency attached by ClinVar (database versions not stated): gnomAD exomes below 0.00001; gnomAD 0.00001.
gnomAD v4.1: 2 of 1,609,980 alleles (0.00012%); highest among the groups gnomAD compares: African/African-American, 0.0027%; no homozygotes.

Submissions (4):

Labcorp Genetics (formerly Invitae), Labcorp
Classification: Uncertain significance for Ataxia-telangiectasia syndrome. Last evaluated: 2026-02-02. Review status: criteria provided, single submitter. Criteria: Invitae Variant Classification Sherloc (09022015). Collection method: clinical testing. Allele origin: germline.
Comment: This sequence change replaces proline, which is neutral and non-polar, with alanine, which is neutral and non-polar, at codon 2665 of the ATM protein (p.Pro2665Ala). This variant is not present in population databases (gnomAD no frequency). This missense change has been observed in individual(s) with breast cancer (PMID: 35264596). ClinVar contains an entry for this variant (Variation ID: 453714). Invitae Evidence Modeling of protein sequence and biophysical properties (such as structural, functional, and spatial information, amino acid conservation, physicochemical variation, residue mobility, and thermodynamic stability) indicates that this missense variant is expected to disrupt ATM protein function with a positive predictive value of 95%. In summary, the available evidence is currently insufficient to determine the role of this variant in disease. Therefore, it has been classified as a Variant of Uncertain Significance.

Ambry Genetics
Classification: Uncertain significance for Hereditary cancer-predisposing syndrome. Last evaluated: 2024-08-07. Review status: criteria provided, single submitter. Criteria: Ambry Variant Classification Scheme 2023. Collection method: clinical testing. Allele origin: germline.
Comment: The p.P2665A variant (also known as c.7993C>G), located in coding exon 53 of the ATM gene, results from a C to G substitution at nucleotide position 7993. The proline at codon 2665 is replaced by alanine, an amino acid with highly similar properties. This amino acid position is highly conserved in available vertebrate species. In addition, the in silico prediction for this alteration is inconclusive. Since supporting evidence is limited at this time, the clinical significance of this alteration remains unclear.

Color Diagnostics, LLC DBA Color Health
Classification: Uncertain significance for Hereditary cancer-predisposing syndrome. Last evaluated: 2024-03-06. Review status: criteria provided, single submitter. Criteria: ACMG Guidelines, 2015. Collection method: clinical testing. Allele origin: germline.
Comment: This missense variant replaces proline with alanine at codon 2665 of the ATM protein. Computational prediction suggests that this variant may have deleterious impact on protein structure and function (internally defined REVEL score threshold >= 0.7, PMID: 27666373). To our knowledge, functional studies have not been reported for this variant. This variant has not been reported in individuals affected with hereditary cancer in the literature. This variant has not been identified in the general population by the Genome Aggregation Database (gnomAD). The available evidence is insufficient to determine the role of this variant in disease conclusively. Therefore, this variant is classified as a Variant of Uncertain Significance.

Mendelics
Classification: Uncertain significance for Ataxia-telangiectasia syndrome. Last evaluated: 2018-07-02. Review status: criteria provided, single submitter. Criteria: Mendelics Assertion Criteria 2017. Collection method: clinical testing. Allele origin: unknown.

Literature cited by the submitters: PubMed 35264596 (cited by Labcorp Genetics (formerly Invitae), Labcorp).

NM_000051.4(ATM):c.7993C>G (p.Pro2665Ala)

Genes: ATM (ATM serine/threonine kinase; plus strand), C11orf65 (chromosome 11 open reading frame 65; minus strand). Cytogenetic location: 11q22.3.
Variant type: single nucleotide variant.
Coding change: c.7993C>G on transcript NM_000051.4 (MANE Select); coding-DNA position 7993, C replaced by G.
Protein change: p.Pro2665Ala; replaces proline 2665 with alanine.
Molecular consequence: missense variant. On other transcripts: intron variant (2).
Genome position (GRCh38, 1-based): chr11:108,333,951, C>G. VCF-style: chr11-108333951-C-G. GRCh37 (hg19) VCF-style: chr11-108204678-C-G.
Other names: c.7993C>G, p.Pro2665Ala (NM_001351834.2); c.641-24880G>C (NM_001330368.2); c.*38+1269G>C (NM_001351110.2); short protein forms P2665A.
Identifiers: ClinVar variation 453714 (VCV000453714.15), dbSNP rs1555126304, ClinGen allele CA382561783.